The following is an entry in ClinVar:

ClinVar aggregate classification (germline): Conflicting classifications of pathogenicity. Review status: criteria provided, conflicting classifications (1 of 4 stars). 2 submissions from 2 submitters: Uncertain significance (1); Likely benign (1). Last evaluated 2025-12-11.

Conditions:
Familial sleep-related hypermotor epilepsy. Also called: Autosomal Dominant Sleep-Related Hypermotor (Hyperkinetic) Epilepsy. Identifiers: Orphanet 98784, MedGen C3696898, MONDO:0000030.

Allele frequency attached by ClinVar (database versions not stated): gnomAD 0.00001; TOPMed 0.00002.
gnomAD v4.1: 7 of 1,611,082 alleles (0.00043%); highest among the groups gnomAD compares: African/African-American, 0.0067%; no homozygotes.

Submissions (2):

Labcorp Genetics (formerly Invitae), Labcorp
Classification: Likely benign. Last evaluated: 2025-12-11. Review status: criteria provided, single submitter. Criteria: Invitae Variant Classification Sherloc (09022015). Collection method: clinical testing. Allele origin: germline.

GeneDx
Classification: Uncertain significance. Last evaluated: 2013-05-28. Review status: criteria provided, single submitter. Criteria: GeneDx Variant Classification (06012015). Collection method: clinical testing. Allele origin: germline. Affected: yes.
Comment: p.Val30Met (GTG>ATG): c.88 G>A in exon 2 of the CHRNA4 gene (NM_000744.5)The Val30Met missense change has not been published as a mutation, nor has it been reported as a benign polymorphism to our knowledge. It was not observed in approximately 6,500 individuals of European and African American ancestry in the NHLBI Exome Sequencing Project, indicating it is not a common benign variant in these populations. The amino acid substitution is conservative, as Valine and Methionine are both uncharged, non-polar amino acids. It alters a poorly conserved position in the protein and does not occur within the transmembrane region of the protein, where pathogenic missense mutations have been identified in association with epilepsy (Steinlein et al., 2010). Some in silico algorithms predict it may be benign, although another model suggests it may be damaging to protein structure/function. Therefore, the currently available information indicates that Val30Met may be benign, although the possibility that it is a disease-causing mutation cannot be completely excluded. The variant is found in EPILEPSY panel(s).

NM_000744.7(CHRNA4):c.88G>A (p.Val30Met)

Gene: CHRNA4 (cholinergic receptor nicotinic alpha 4 subunit; minus strand). Cytogenetic location: 20q13.33.
Variant type: single nucleotide variant.
Coding change: c.88G>A on transcript NM_000744.7 (MANE Select); coding-DNA position 88, G replaced by A.
Protein change: p.Val30Met; replaces valine 30 with methionine.
Molecular consequence: missense variant. On other transcripts: 5 prime UTR variant (1), non-coding transcript variant (1).
Genome position (GRCh38, 1-based): chr20:63,359,688, C>T on the plus strand (G>A on the coding strand, the complement: CHRNA4 is on the minus strand). VCF-style: chr20-63359688-C-T. GRCh37 (hg19) VCF-style: chr20-61991040-C-T.
Other names: p.V30M:GTG>ATG; c.-459G>A (NM_001256573.2); short protein forms V30M.
Identifiers: ClinVar variation 205042 (VCV000205042.10), dbSNP rs746557446, ClinGen allele CA313603.
Genomic context (GRCh38, chr20:63,359,688, plus strand): 5'-TGTTGTAACCGGAGAAGAGTTTCTTCAGGAGCCGCTCCTCGGCGTGGGCCCGGGTCTCCA[C>T]ATGGCTGCTGGCTGCGGGGAGAGGCAGGCCAGTGGCTCAGGTGCAGGCGGGACAGGAGCC-3'
Protein context (NP_000735.1, residues 20-40): GTGLLRASSH[Val30Met]ETRAHAEERL